The following is an entry in ClinVar:

ClinVar aggregate classification (germline): Uncertain significance. Review status: criteria provided, multiple submitters, no conflicts (2 of 4 stars). 2 submissions from 2 submitters: Uncertain significance (2). Last evaluated 2023-12-07.

Conditions:
Epileptic encephalopathy. Identifiers: MedGen C0543888, HP:0200134.

Allele frequency attached by ClinVar (database versions not stated): gnomAD exomes below 0.00001 and 0.00001; gnomAD 0.00001; TOPMed 0.00001.
gnomAD v4.1: 7 of 1,613,638 alleles (0.00043%); highest among the groups gnomAD compares: Non-Finnish European, 0.00051%; no homozygotes.

Submissions (2):

Ambry Genetics
Classification: Uncertain significance. Last evaluated: 2023-12-07. Review status: criteria provided, single submitter. Criteria: Ambry Variant Classification Scheme 2023. Collection method: clinical testing. Allele origin: germline.

Labcorp Genetics (formerly Invitae), Labcorp
Classification: Uncertain significance for Epileptic encephalopathy. Last evaluated: 2020-07-14. Review status: criteria provided, single submitter. Criteria: Invitae Variant Classification Sherloc (09022015). Collection method: clinical testing. Allele origin: germline.
Comment: In summary, the available evidence is currently insufficient to determine the role of this variant in disease. Therefore, it has been classified as a Variant of Uncertain Significance. Algorithms developed to predict the effect of missense changes on protein structure and function (SIFT, PolyPhen-2, Align-GVGD) all suggest that this variant is likely to be disruptive, but these predictions have not been confirmed by published functional studies and their clinical significance is uncertain. This variant has not been reported in the literature in individuals with RYR3-related disease. This variant is not present in population databases (ExAC no frequency). This sequence change replaces histidine with tyrosine at codon 2437 of the RYR3 protein (p.His2437Tyr). The histidine residue is highly conserved and there is a moderate physicochemical difference between histidine and tyrosine.

NM_001036.6(RYR3):c.7309C>T (p.His2437Tyr)

Gene: RYR3 (ryanodine receptor 3; plus strand). Cytogenetic location: 15q14.
Variant type: single nucleotide variant.
Coding change: c.7309C>T on transcript NM_001036.6 (MANE Select); coding-DNA position 7309, C replaced by T.
Protein change: p.His2437Tyr; replaces histidine 2437 with tyrosine.
Molecular consequence: missense variant.
Genome position (GRCh38, 1-based): chr15:33,731,579, C>T. VCF-style: chr15-33731579-C-T. GRCh37 (hg19) VCF-style: chr15-34023780-C-T.
Other names: c.7309C>T, p.His2437Tyr (NM_001243996.4); c.7309C>T (NM_001036.3); short protein forms H2437Y.
Identifiers: ClinVar variation 662178 (VCV000662178.9), dbSNP rs1202296934, ClinGen allele CA391579284.